The following is an entry in ClinVar:

NM_000868.4(HTR2C):c.675A>T (p.Ile225=)

Genes: HTR2C (5-hydroxytryptamine receptor 2C; plus strand), LOC126863306 (MED14-independent group 3 enhancer GRCh37_chrX:114140926-114142125; plus strand). Cytogenetic location: Xq23.
Variant type: single nucleotide variant.
Coding change: c.675A>T on transcript NM_000868.4 (MANE Select); coding-DNA position 675, A replaced by T.
Protein change: p.Ile225=; no amino-acid change (isoleucine 225 retained).
Molecular consequence: synonymous variant. On other transcripts: missense variant (1).
Genome position (GRCh38, 1-based): chrX:114,906,713, A>T. VCF-style: chrX-114906713-A-T. GRCh37 (hg19) VCF-style: chrX-114141276-A-T.
Other names: c.675A>T, p.Ile225= (NM_001256760.3); c.580A>T, p.Thr194Ser (NM_001256761.3); short protein forms T194S.
Identifiers: ClinVar variation 3349286 (VCV003349286.1).
Genomic context (GRCh38, chrX:114,906,713, plus strand): 5'-GACGTGCGTGCTCAACGACCCAAATTTCGTTCTTATTGGGTCCTTCGTAGCTTTCTTCAT[A>T]CCGCTGACGATTATGGTGATTACGTATTGCCTGACCATCTACGTTCTGCGCCGACAAGCT-3'
Protein context (NP_000859.2, residues 215-235): VLIGSFVAFF[Ile225=]PLTIMVITYC

ClinVar aggregate classification (germline): Uncertain significance (0 of 4 stars; one submission).

Conditions:
HTR2C-related disorder. Also called: HTR2C-related condition.

Submission:

PreventionGenetics, part of Exact Sciences
Classification: Uncertain significance for HTR2C-related condition. Last evaluated: 2024-01-10. Review status: no assertion criteria provided. Collection method: clinical testing. Allele origin: germline.
Comment: The HTR2C c.580A>T variant is predicted to result in the amino acid substitution p.Thr194Ser. To our knowledge, this variant has not been reported in the literature or in a large population database, indicating this variant is rare. At this time, the clinical significance of this variant is uncertain due to the absence of conclusive functional and genetic evidence.